The following is an entry in ClinVar:

NM_001384474.1(LOXHD1):c.1431+2T>C

Gene: LOXHD1 (lipoxygenase homology PLAT domains 1; minus strand). Cytogenetic location: 18q21.1.
Variant type: single nucleotide variant.
Coding change: c.1431+2T>C on transcript NM_001384474.1 (MANE Select); the canonical splice donor site of the intron after coding-DNA position 1431, T replaced by C.
Molecular consequence: splice donor variant.
Genome position (GRCh38, 1-based): chr18:46,593,598, A>G on the plus strand (T>C on the coding strand, the complement: LOXHD1 is on the minus strand). VCF-style: chr18-46593598-A-G. GRCh37 (hg19) VCF-style: chr18-44173561-A-G.
Other names: c.1431+2T>C (NM_144612.7).
Identifiers: ClinVar variation 1469061 (VCV001469061.9), dbSNP rs1456597732, ClinGen allele CA402380550.
Genomic context (GRCh38, chr18:46,593,598, plus strand): 5'-AGGACGAATGCCCTACATCCCTTCCTCCTTTCTCCCTCCCATCCATCACAATCCTCTCCT[A>G]CCCTAAACTTCTCGATTATGCCGGGTTTGAACCACTTGTTGTTGGGATTCAGGAGAATCT-3'

ClinVar aggregate classification (germline): Likely pathogenic (1 of 4 stars; one submission).

Allele frequency attached by ClinVar (database versions not stated): gnomAD exomes below 0.00001 and 0.00001; gnomAD 0.00001; TOPMed 0.00001.
gnomAD v4.1: 5 of 1,551,788 alleles (0.00032%); highest among the groups gnomAD compares: Non-Finnish European, 0.00044%; no homozygotes.

Submission:

Labcorp Genetics (formerly Invitae), Labcorp
Classification: Likely pathogenic. Last evaluated: 2024-01-12. Review status: criteria provided, single submitter. Criteria: Invitae Variant Classification Sherloc (09022015). Collection method: clinical testing. Allele origin: germline.
Comment: This sequence change affects a donor splice site in intron 10 of the LOXHD1 gene. It is expected to disrupt RNA splicing. Variants that disrupt the donor or acceptor splice site typically lead to a loss of protein function (PMID: 16199547), and loss-of-function variants in LOXHD1 are known to be pathogenic (PMID: 19732867, 21465660, 25792669). This variant is present in population databases (no rsID available, gnomAD 0.002%). This variant has not been reported in the literature in individuals affected with LOXHD1-related conditions. ClinVar contains an entry for this variant (Variation ID: 1469061). Algorithms developed to predict the effect of sequence changes on RNA splicing suggest that this variant may disrupt the consensus splice site. In summary, the currently available evidence indicates that the variant is pathogenic, but additional data are needed to prove that conclusively. Therefore, this variant has been classified as Likely Pathogenic.

Literature cited by the submitters: PubMed 16199547; PubMed 19732867; PubMed 21465660; PubMed 25792669.